The following is an entry in ClinVar:

ClinVar aggregate classification (germline): Uncertain significance (1 of 4 stars; one submission).

Submission:

GeneDx
Classification: Uncertain significance. Last evaluated: 2025-12-12. Review status: criteria provided, single submitter. Criteria: GeneDx Variant Classification Process June 2021. Collection method: clinical testing. Allele origin: germline.
Comment: Not observed at significant frequency in large population cohorts (gnomAD); In silico analysis supports that this missense variant has a deleterious effect on protein structure/function; Has not been previously published as pathogenic or benign to our knowledge

NM_000516.7(GNAS):c.148G>A (p.Glu50Lys)

Gene: GNAS (GNAS complex locus; plus strand). Cytogenetic location: 20q13.32.
Variant type: single nucleotide variant.
Coding change: c.148G>A on transcript NM_000516.7 (MANE Select); coding-DNA position 148, G replaced by A.
Protein change: p.Glu50Lys; replaces glutamic acid 50 with lysine.
Molecular consequence: missense variant. On other transcripts: 3 prime UTR variant (3), 5 prime UTR variant (7), non-coding transcript variant (2).
Genome position (GRCh38, 1-based): chr20:58,895,620, G>A. VCF-style: chr20-58895620-G-A. GRCh37 (hg19) VCF-style: chr20-57470675-G-A.
Other names: c.148G>A, p.Glu50Lys (NM_001077488.5, NM_001077489.4, NM_001309842.2 and 1 more transcripts); c.*9G>A (NM_001077490.3); c.-30G>A (NM_001309840.2, NM_001309861.2, NM_001438273.1 and 4 more transcripts); c.*167G>A (NM_001309883.1); c.52G>A, p.Glu18Lys (NM_001410912.1); c.2077G>A, p.Glu693Lys (NM_001410913.1, NM_080425.4); c.*51G>A (NM_016592.5); short protein forms E18K, E50K, E693K.
Identifiers: ClinVar variation 4083356 (VCV004083356.2).